The following is an entry in ClinVar:

NM_138387.4(G6PC3):c.568G>C (p.Val190Leu)

Gene: G6PC3 (glucose-6-phosphatase catalytic subunit 3; plus strand). Cytogenetic location: 17q21.31.
Variant type: single nucleotide variant.
Coding change: c.568G>C on transcript NM_138387.4 (MANE Select); coding-DNA position 568, G replaced by C.
Protein change: p.Val190Leu; replaces valine 190 with leucine.
Molecular consequence: missense variant.
Genome position (GRCh38, 1-based): chr17:44,075,342, G>C. VCF-style: chr17-44075342-G-C. GRCh37 (hg19) VCF-style: chr17-42152710-G-C.
Other names: c.449G>C, p.Ser150Thr (NM_001319945.2); c.223G>C, p.Val75Leu (NM_001384165.1, NM_001384166.1, NM_001384167.1 and 1 more transcripts); short protein forms V190L, S150T, V75L.
Identifiers: ClinVar variation 3852322 (VCV003852322.1).
Genomic context (GRCh38, chr17:44,075,342, plus strand): 5'-TGAAGCTGTTGTCACTCCACTCTCCTAGGCGCTGTCCTGGGCTGGCTGATGACTCCCCGA[G>C]TGCCTATGGAGCGGGAGCTAAGCTTCTATGGGTTGACTGCACTGGCCCTCATGCTAGGCA-3'
Protein context (NP_612396.1, residues 180-200): AVLGWLMTPR[Val190Leu]PMERELSFYG

ClinVar aggregate classification (germline): Uncertain significance (1 of 4 stars; one submission).

Conditions:
Inborn genetic diseases. Identifiers: MedGen C0950123, MeSH D030342.

Submission:

Ambry Genetics
Classification: Uncertain significance for Inborn genetic diseases. Last evaluated: 2024-12-14. Review status: criteria provided, single submitter. Criteria: Ambry Variant Classification Scheme 2023. Collection method: clinical testing. Allele origin: germline.
Comment: The p.V190L variant (also known as c.568G>C), located in coding exon 5 of the G6PC3 gene, results from a G to C substitution at nucleotide position 568. The valine at codon 190 is replaced by leucine, an amino acid with highly similar properties. This amino acid position is conserved. In addition, the in silico prediction for this alteration is inconclusive. Based on the available evidence, the clinical significance of this variant remains unclear.